The following is an entry in ClinVar:

NM_172107.4(KCNQ2):c.687del (p.Ser229fs)

Gene: KCNQ2 (potassium voltage-gated channel subfamily Q member 2; minus strand). Cytogenetic location: 20q13.33.
Variant type: Deletion.
Coding change: c.687del on transcript NM_172107.4 (MANE Select); coding-DNA position 687, one base deleted (C; older notation c.687delC).
Protein change: p.Ser229fs; shifts the reading frame from serine 229.
Molecular consequence: frameshift variant.
Genome position (GRCh38, 1-based): chr20:63,444,662, G deleted on the plus strand (C on the coding strand, the reverse complement: KCNQ2 is on the minus strand). VCF-style (leftmost placement, unchanged base first): chr20-63444661-TG-T. GRCh37 (hg19) VCF-style: chr20-62076014-TG-T.
Other names: c.687del, p.Ser229fs (NM_004518.6, NM_172106.3, NM_172108.5 and 1 more transcripts); short protein forms S229fs.
Identifiers: ClinVar variation 530407 (VCV000530407.7), dbSNP rs1555873656, ClinGen allele CA658799389.
Genomic context (GRCh38, chr20:63,444,661, plus strand): 5'-GGGCCAGGACTCTCGCTGGCTGGGGGCGCCCACCGCCAGCCTTGGGGCCGTGACTCACCT[TG>T]CTGTGGGCATAGACCACAGAGCCCAGCAGCTTCCAGGTGCCTCCCCGCCGGTCCATGCGG-3'

ClinVar aggregate classification (germline): Pathogenic (1 of 4 stars; one submission).

Conditions:
Early-infantile DEE. Also called: Early infantile epileptic encephalopathy; Early infantile epileptic encephalopathy with suppression bursts; Ohtahara syndrome. Identifiers: Orphanet 1934, MedGen C0393706, MONDO:0800491.

Submission:

Labcorp Genetics (formerly Invitae), Labcorp
Classification: Pathogenic for Early-infantile DEE. Last evaluated: 2017-12-04. Review status: criteria provided, single submitter. Criteria: Invitae Variant Classification Sherloc (09022015). Collection method: clinical testing. Allele origin: germline.
Comment: This variant is not present in population databases (ExAC no frequency). This sequence change creates a premature translational stop signal (p.Ser229Argfs*44) in the KCNQ2 gene. It is expected to result in an absent or disrupted protein product. This variant has not been reported in the literature in individuals with KCNQ2-related disease. Loss-of-function variants in KCNQ2 are known to be pathogenic (PMID: 14534157). For these reasons, this variant has been classified as Pathogenic.

Literature cited by the submitters: PubMed 14534157.